The following is an entry in ClinVar:

NM_000019.4(ACAT1):c.334+2T>A

Gene: ACAT1 (acetyl-CoA acetyltransferase 1; plus strand). Cytogenetic location: 11q22.3.
Variant type: single nucleotide variant.
Coding change: c.334+2T>A on transcript NM_000019.4 (MANE Select); the canonical splice donor site of the intron after coding-DNA position 334, T replaced by A.
Molecular consequence: splice donor variant. On other transcripts: intron variant (2).
Genome position (GRCh38, 1-based): chr11:108,134,318, T>A. VCF-style: chr11-108134318-T-A. GRCh37 (hg19) VCF-style: chr11-108005045-T-A.
Other names: c.64+2T>A (NM_001386682.1, NM_001386681.1, NM_001386685.1 and 6 more transcripts); c.334+2T>A (NM_001386677.1); c.37+22T>A (NM_001386679.1); c.120+2364T>A (NM_001386678.1).
Identifiers: ClinVar variation 2978715 (VCV002978715.3), dbSNP rs1346954123, ClinGen allele CA382506671.

ClinVar aggregate classification (germline): Likely pathogenic (1 of 4 stars; one submission).

Conditions:
Deficiency of acetyl-CoA acetyltransferase. Also called: Beta-ketothiolase deficiency; 3-KETOTHIOLASE DEFICIENCY; 3-OXOTHIOLASE DEFICIENCY; MITOCHONDRIAL ACETOACETYL-CoA THIOLASE DEFICIENCY. Identifiers: Orphanet 134, MedGen C1536500, MONDO:0008760, OMIM 203750. Disease mechanism: loss of function.

Allele frequency attached by ClinVar (database versions not stated): gnomAD 0.00001.
gnomAD v4.1: 2 of 1,612,374 alleles (0.00012%); highest among the groups gnomAD compares: African/African-American, 0.0027%; no homozygotes.

Submission:

Labcorp Genetics (formerly Invitae), Labcorp
Classification: Likely pathogenic for Deficiency of acetyl-CoA acetyltransferase. Last evaluated: 2025-08-17. Review status: criteria provided, single submitter. Criteria: Invitae Variant Classification Sherloc (09022015). Collection method: clinical testing. Allele origin: germline.
Comment: This sequence change affects a donor splice site in intron 4 of the ACAT1 gene. It is expected to disrupt RNA splicing. Variants that disrupt the donor or acceptor splice site typically lead to a loss of protein function (PMID: 16199547), and loss-of-function variants in ACAT1 are known to be pathogenic (PMID: 7749408). This variant is present in population databases (no rsID available, gnomAD 0.01%). This variant has not been reported in the literature in individuals affected with ACAT1-related conditions. ClinVar contains an entry for this variant (Variation ID: 2978715). Algorithms developed to predict the effect of sequence changes on RNA splicing suggest that this variant may disrupt the consensus splice site. In summary, the currently available evidence indicates that the variant is pathogenic, but additional data are needed to prove that conclusively. Therefore, this variant has been classified as Likely Pathogenic.

Literature cited by the submitters: PubMed 16199547; PubMed 7749408.